The following is an entry in ClinVar:

NM_014639.4(SKIC3):c.892+6T>C

Gene: SKIC3 (SKI3 subunit of superkiller complex; minus strand). Cytogenetic location: 5q15.
Variant type: single nucleotide variant.
Coding change: c.892+6T>C on transcript NM_014639.4 (MANE Select); 6 bases into the intron after coding-DNA position 892, T replaced by C.
Molecular consequence: intron variant.
Genome position (GRCh38, 1-based): chr5:95,530,083, A>G on the plus strand (T>C on the coding strand, the complement: SKIC3 is on the minus strand). VCF-style: chr5-95530083-A-G. GRCh37 (hg19) VCF-style: chr5-94865787-A-G.
Identifiers: ClinVar variation 1468541 (VCV001468541.3), dbSNP rs756083152, ClinGen allele CA3347504.

ClinVar aggregate classification (germline): Uncertain significance (1 of 4 stars; one submission).

Allele frequency attached by ClinVar (database versions not stated): ExAC 0.00007; gnomAD exomes 0.00007 and 0.00008; gnomAD 0.00009; TOPMed 0.00009.
gnomAD v4.1: 122 of 1,612,482 alleles (0.0076%); highest among the groups gnomAD compares: Admixed American, 0.015%; no homozygotes.

Submission:

Labcorp Genetics (formerly Invitae), Labcorp
Classification: Uncertain significance. Last evaluated: 2022-08-19. Review status: criteria provided, single submitter. Criteria: Invitae Variant Classification Sherloc (09022015). Collection method: clinical testing. Allele origin: germline.
Comment: This sequence change falls in intron 11 of the TTC37 gene. It does not directly change the encoded amino acid sequence of the TTC37 protein. It affects a nucleotide within the consensus splice site. This variant is present in population databases (rs756083152, gnomAD 0.01%). This variant has not been reported in the literature in individuals affected with TTC37-related conditions. ClinVar contains an entry for this variant (Variation ID: 1468541). Variants that disrupt the consensus splice site are a relatively common cause of aberrant splicing (PMID: 17576681, 9536098). Algorithms developed to predict the effect of sequence changes on RNA splicing suggest that this variant is not likely to affect RNA splicing. In summary, the available evidence is currently insufficient to determine the role of this variant in disease. Therefore, it has been classified as a Variant of Uncertain Significance.

Literature cited by the submitters: PubMed 17576681; PubMed 9536098.